The following is an entry in ClinVar:

NM_001822.7(CHN1):c.1054A>T (p.Ile352Phe)

Gene: CHN1 (chimerin 1; minus strand). Cytogenetic location: 2q31.1.
Variant type: single nucleotide variant.
Coding change: c.1054A>T on transcript NM_001822.7 (MANE Select); coding-DNA position 1054, A replaced by T.
Protein change: p.Ile352Phe; replaces isoleucine 352 with phenylalanine.
Molecular consequence: missense variant. On other transcripts: non-coding transcript variant (1).
Genome position (GRCh38, 1-based): chr2:174,808,953, T>A on the plus strand (A>T on the coding strand, the complement: CHN1 is on the minus strand). VCF-style: chr2-174808953-T-A. GRCh37 (hg19) VCF-style: chr2-175673681-T-A.
Other names: c.976A>T, p.Ile326Phe (NM_001025201.4); c.679A>T, p.Ile227Phe (NM_001206602.2); c.1054A>T, p.Ile352Phe (NM_001371513.1); c.1105A>T, p.Ile369Phe (NM_001371514.1); short protein forms I227F, I326F, I352F, I369F.
Identifiers: ClinVar variation 4820645 (VCV004820645.1).
Genomic context (GRCh38, chr2:174,808,953, plus strand): 5'-ATTCATACTTACTGGCAGATTCTATAAACTTAGGGTAGGCATCATATGTAATGAGTGGAA[T>A]TGGCAAATCCCTGAAGTACAGTTTAAGTGCACCAGTGATAATGTTGATATCTTCATACAT-3'
Protein context (NP_001813.1, residues 342-362): ALKLYFRDLP[Ile352Phe]PLITYDAYPK

ClinVar aggregate classification (germline): Uncertain significance (1 of 4 stars; one submission).

Conditions:
Duane retraction syndrome 2. Identifiers: Orphanet 233, MedGen C0751083, MONDO:0011444, OMIM 604356.

Submission:

Department of Human Genetics, Hannover Medical School
Classification: Uncertain significance for Duane retraction syndrome 2. Last evaluated: 2026-04-22. Review status: criteria provided, single submitter. Criteria: ACMG Guidelines, 2015. Collection method: clinical testing. Allele origin: germline. Affected: yes.
Comment: PS2_Supporting, PM2_Supporting